The following is an entry in ClinVar:

ClinVar aggregate classification (germline): Uncertain significance (1 of 4 stars; one submission).

Conditions:
Polyglucosan body myopathy type 1 (PGBM1). Also called: POLYGLUCOSAN BODY MYOPATHY WITHOUT IMMUNODEFICIENCY; Polyglucosan body myopathy 1 with or without immunodeficiency. Identifiers: Orphanet 329173, Orphanet 397937, MedGen C4014605, MONDO:0014389, OMIM 615895.

Allele frequency attached by ClinVar (database versions not stated): TOPMed 0.00001; ExAC 0.00002; gnomAD 0.00002; gnomAD exomes 0.00005.

Submission:

Labcorp Genetics (formerly Invitae), Labcorp
Classification: Uncertain significance for Polyglucosan body myopathy type 1. Last evaluated: 2022-07-15. Review status: criteria provided, single submitter. Criteria: Invitae Variant Classification Sherloc (09022015). Collection method: clinical testing. Allele origin: germline.
Comment: This sequence change replaces arginine, which is basic and polar, with glutamine, which is neutral and polar, at codon 120 of the RBCK1 protein (p.Arg120Gln). This variant is present in population databases (rs746970150, gnomAD 0.004%). This variant has not been reported in the literature in individuals affected with RBCK1-related conditions. Algorithms developed to predict the effect of missense changes on protein structure and function are either unavailable or do not agree on the potential impact of this missense change (SIFT: "Not Available"; PolyPhen-2: "Benign"; Align-GVGD: "Not Available"). In summary, the available evidence is currently insufficient to determine the role of this variant in disease. Therefore, it has been classified as a Variant of Uncertain Significance.

NM_031229.4(RBCK1):c.359G>A (p.Arg120Gln)

Gene: RBCK1 (RANBP2-type and C3HC4-type zinc finger containing 1; plus strand). Cytogenetic location: 20p13.
Variant type: single nucleotide variant.
Coding change: c.359G>A on transcript NM_031229.4 (MANE Select); coding-DNA position 359, G replaced by A.
Protein change: p.Arg120Gln; replaces arginine 120 with glutamine.
Molecular consequence: missense variant. On other transcripts: non-coding transcript variant (1).
Genome position (GRCh38, 1-based): chr20:417,829, G>A. VCF-style: chr20-417829-G-A. GRCh37 (hg19) VCF-style: chr20-398473-G-A.
Other names: c.10G>A, p.Gly4Ser (NM_001323956.2, NM_001323958.2); c.410G>A, p.Arg137Gln (NM_001410770.1); c.233G>A, p.Arg78Gln (NM_006462.6); short protein forms R137Q, R78Q, R120Q, G4S.
Identifiers: ClinVar variation 2181968 (VCV002181968.1), dbSNP rs746970150, ClinGen allele CA9723055.
Genomic context (GRCh38, chr20:417,829, plus strand): 5'-AGTGGGTGATTGGGCAGCGGCTGGCACGAGACCAGGAGACCCTGCACTCCCATGGGGTGC[G>A]GCAGAATGGGGACAGTGCCTACCTCTATCTGCTGTCAGCCCGCAACACCTCCCTCAACCC-3'
Protein context (NP_112506.2, residues 110-130): DQETLHSHGV[Arg120Gln]QNGDSAYLYL